The following is an entry in ClinVar:

NM_006734.4(HIVEP2):c.967A>G (p.Met323Val)

Gene: HIVEP2 (HIVEP zinc finger 2; minus strand). Cytogenetic location: 6q24.2.
Variant type: single nucleotide variant.
Coding change: c.967A>G on transcript NM_006734.4 (MANE Select); coding-DNA position 967, A replaced by G.
Protein change: p.Met323Val; replaces methionine 323 with valine.
Molecular consequence: missense variant.
Genome position (GRCh38, 1-based): chr6:142,773,772, T>C on the plus strand (A>G on the coding strand, the complement: HIVEP2 is on the minus strand). VCF-style: chr6-142773772-T-C. GRCh37 (hg19) VCF-style: chr6-143094909-T-C.
Other names: short protein forms M323V.
Identifiers: ClinVar variation 1033140 (VCV001033140.9), dbSNP rs1473641774, ClinGen allele CA365914878.

ClinVar aggregate classification (germline): Conflicting classifications of pathogenicity. Review status: criteria provided, conflicting classifications (1 of 4 stars). 4 submissions from 4 submitters: Uncertain significance (3); Likely benign (1). Last evaluated 2026-08-01.

Conditions:
Intellectual developmental disorder, autosomal dominant 43. Also called: Intellectual disability, autosomal dominant 43. Identifiers: MedGen C4707429, MONDO:0014858, OMIM 616977.
Inborn genetic diseases. Identifiers: MedGen C0950123, MeSH D030342.

Allele frequency attached by ClinVar (database versions not stated): gnomAD 0.00001; TOPMed 0.00001; gnomAD exomes 0.00001.
gnomAD v4.1: 30 of 1,613,940 alleles (0.0019%); highest among the groups gnomAD compares: Non-Finnish European, 0.0022%; no homozygotes.

Submissions (4):

CeGaT Center for Human Genetics Tuebingen
Classification: Likely benign. Last evaluated: 2026-08-01. Review status: criteria provided, single submitter. Criteria: CeGaT Center For Human Genetics Tuebingen Variant Classification Criteria Version 2. Collection method: clinical testing. Allele origin: germline. Affected: yes. Observed: 1 variant allele.
Comment: HIVEP2: BP4, BS2

Ambry Genetics
Classification: Uncertain significance for Inborn genetic diseases. Last evaluated: 2025-08-15. Review status: criteria provided, single submitter. Criteria: Ambry Variant Classification Scheme 2023. Collection method: clinical testing. Allele origin: germline.

Labcorp Genetics (formerly Invitae), Labcorp
Classification: Uncertain significance. Last evaluated: 2025-06-12. Review status: criteria provided, single submitter. Criteria: Invitae Variant Classification Sherloc (09022015). Collection method: clinical testing. Allele origin: germline.
Comment: This sequence change replaces methionine, which is neutral and non-polar, with valine, which is neutral and non-polar, at codon 323 of the HIVEP2 protein (p.Met323Val). This variant is present in population databases (no rsID available, gnomAD 0.002%). This variant has not been reported in the literature in individuals affected with HIVEP2-related conditions. ClinVar contains an entry for this variant (Variation ID: 1033140). An algorithm developed to predict the effect of missense changes on protein structure and function (PolyPhen-2) suggests that this variant is likely to be tolerated. In summary, the available evidence is currently insufficient to determine the role of this variant in disease. Therefore, it has been classified as a Variant of Uncertain Significance.

Baylor Genetics
Classification: Uncertain significance for Intellectual developmental disorder, autosomal dominant 43. Last evaluated: 2018-08-09. Review status: criteria provided, single submitter. Criteria: ACMG Guidelines, 2015. Collection method: clinical testing. Allele origin: unknown. Affected: yes.
Comment: This variant was determined to be of uncertain significance according to ACMG Guidelines, 2015 [PMID:25741868].